The following is an entry in ClinVar:

NM_021629.4(GNB4):c.58G>C (p.Asp20His)

Gene: GNB4 (G protein subunit beta 4; minus strand). Cytogenetic location: 3q26.33.
Variant type: single nucleotide variant.
Coding change: c.58G>C on transcript NM_021629.4 (MANE Select); coding-DNA position 58, G replaced by C.
Protein change: p.Asp20His; replaces aspartic acid 20 with histidine.
Molecular consequence: missense variant.
Genome position (GRCh38, 1-based): chr3:179,420,927, C>G on the plus strand (G>C on the coding strand, the complement: GNB4 is on the minus strand). VCF-style: chr3-179420927-C-G. GRCh37 (hg19) VCF-style: chr3-179138715-C-G.
Other names: short protein forms D20H.
Identifiers: ClinVar variation 2743064 (VCV002743064.3), dbSNP rs1380542405, ClinGen allele CA355471294.

ClinVar aggregate classification (germline): Uncertain significance (1 of 4 stars; one submission).

Conditions:
Charcot-Marie-Tooth disease dominant intermediate F. Identifiers: Orphanet 352670, MedGen C4749463, MONDO:0014074, OMIM 615185.

Allele frequency attached by ClinVar (database versions not stated): TOPMed below 0.00001; gnomAD 0.00001; gnomAD exomes 0.00001.
gnomAD v4.1: 15 of 1,573,766 alleles (0.00095%); highest among the groups gnomAD compares: Non-Finnish European, 0.0012%; no homozygotes.

Submission:

Labcorp Genetics (formerly Invitae), Labcorp
Classification: Uncertain significance for Charcot-Marie-Tooth disease dominant intermediate F. Last evaluated: 2024-07-23. Review status: criteria provided, single submitter. Criteria: Invitae Variant Classification Sherloc (09022015). Collection method: clinical testing. Allele origin: germline.
Comment: This sequence change replaces aspartic acid, which is acidic and polar, with histidine, which is basic and polar, at codon 20 of the GNB4 protein (p.Asp20His). This variant is not present in population databases (gnomAD no frequency). This variant has not been reported in the literature in individuals affected with GNB4-related conditions. An algorithm developed to predict the effect of missense changes on protein structure and function (PolyPhen-2) suggests that this variant is likely to be tolerated. In summary, the available evidence is currently insufficient to determine the role of this variant in disease. Therefore, it has been classified as a Variant of Uncertain Significance.